The following is an entry in ClinVar:

NM_001854.4(COL11A1):c.652-18_652-16dup

Gene: COL11A1 (collagen type XI alpha 1 chain; minus strand). Cytogenetic location: 1p21.1.
Variant type: Duplication.
Coding change: c.652-18_652-16dup on transcript NM_001854.4 (MANE Select); 18 bases into the intron before coding-DNA position 652 through 16 bases into the intron before coding-DNA position 652, 3 bases duplicated (TTT; older notation c.652-18_652-16dupTTT).
Molecular consequence: intron variant.
Genome position (GRCh38, 1-based): chr1:103,031,250-103,031,252, AAA duplicated on the plus strand (TTT on the coding strand, the reverse complement: COL11A1 is on the minus strand); duplicating any 3 consecutive bases within chr1:103,031,250-103,031,262 gives the same sequence; the c. name uses the placement nearest the transcript's 3' end. VCF-style (leftmost placement, unchanged base first): chr1-103031249-G-GAAA. GRCh37 (hg19) VCF-style: chr1-103496805-G-GAAA.
Other names: p.?; c.652-8_652-6dup (NM_001854.4); c.652-18_652-16dup (NM_001190709.2, NM_080629.3, NM_080630.4).
Identifiers: ClinVar variation 1175207 (VCV001175207.14), dbSNP rs36076089, ClinGen allele CA975356.
Genomic context (GRCh38, chr1:103,031,249, plus strand): 5'-CAGTAGTCATATGCTGCCTTGGGATCACCTGTGATCAAAAACTGCTGAATGTCCCCCTGG[G>GAAA]AAAAAAAAAAAAACAAAAACAAACAGACACAGATTCAGTTAGCATATTAAAGTACACATA-3'

ClinVar aggregate classification (germline): Benign/Likely benign. Review status: criteria provided, multiple submitters, no conflicts (2 of 4 stars). 6 submissions from 6 submitters: Benign (3); Likely benign (1). 2 of the submissions do not count toward it. Last evaluated 2026-01-22.

Submissions (6):

Labcorp Genetics (formerly Invitae), Labcorp
Classification: Benign. Last evaluated: 2026-01-22. Review status: criteria provided, single submitter. Criteria: Invitae Variant Classification Sherloc (09022015). Collection method: clinical testing. Allele origin: germline.

Blueprint Genetics
Classification: Likely benign. Last evaluated: 2024-11-26. Review status: criteria provided, single submitter. Criteria: ACMG Guidelines, 2015. Collection method: clinical testing. Allele origin: germline.

Mayo Clinic Laboratories, Mayo Clinic
Classification: Benign. Last evaluated: 2024-11-06. Review status: criteria provided, single submitter. Criteria: ACMG Guidelines, 2015. Collection method: clinical testing. Allele origin: germline. Observed: 2 variant alleles.
Comment: BA1, BS2

GeneDx
Classification: Benign. Last evaluated: 2019-08-08. Review status: criteria provided, single submitter. Criteria: GeneDx Variant Classification Process June 2021. Collection method: clinical testing. Allele origin: germline. Affected: yes.

Genome Diagnostics Laboratory, Amsterdam University Medical Center
Classification: Benign. Review status: no assertion criteria provided. Collection method: clinical testing. Allele origin: germline. Affected: yes. Study: VKGL Data-share Consensus. Not counted in ClinVar's aggregate classification.

Laboratory of Diagnostic Genome Analysis, Leiden University Medical Center (LUMC)
Classification: Likely benign. Review status: no assertion criteria provided. Collection method: clinical testing. Allele origin: germline. Affected: yes. Study: VKGL Data-share Consensus. Not counted in ClinVar's aggregate classification.